The following is an entry in ClinVar:

NM_001127222.2(CACNA1A):c.1237C>T (p.Gln413Ter)

Gene: CACNA1A (calcium voltage-gated channel subunit alpha1 A; minus strand). Cytogenetic location: 19p13.13.
Variant type: single nucleotide variant.
Coding change: c.1237C>T on transcript NM_001127222.2 (MANE Select); coding-DNA position 1237, C replaced by T.
Protein change: p.Gln413Ter; replaces glutamine 413 with a stop codon.
Molecular consequence: nonsense.
Genome position (GRCh38, 1-based): chr19:13,332,887, G>A on the plus strand (C>T on the coding strand, the complement: CACNA1A is on the minus strand). VCF-style: chr19-13332887-G-A. GRCh37 (hg19) VCF-style: chr19-13443701-G-A.
Other names: c.1237C>T, p.Gln413Ter (NM_000068.4, NM_001127221.2, NM_001174080.2 and 1 more transcripts); short protein forms Q413*.
Identifiers: ClinVar variation 2502284 (VCV002502284.6), dbSNP rs2513041499, ClinGen allele CA404346287.

ClinVar aggregate classification (germline): Pathogenic (1 of 4 stars; one submission).

Conditions:
Developmental and epileptic encephalopathy, 42 (DEE42A). Also called: EPILEPTIC ENCEPHALOPATHY, EARLY INFANTILE, 42A; DEVELOPMENTAL AND EPILEPTIC ENCEPHALOPATHY 42A; Epileptic encephalopathy, early infantile, 42. Identifiers: MedGen C4310716, MONDO:0014917, OMIM 617106.
Episodic ataxia type 2 (EA2). Also called: ATAXIA, EPISODIC, WITH NYSTAGMUS; ATAXIA, FAMILIAL PAROXYSMAL; CEREBELLAR ATAXIA, PAROXYSMAL, ACETAZOLAMIDE-RESPONSIVE; CEREBELLOPATHY, HEREDITARY PAROXYSMAL; EPISODIC ATAXIA, NYSTAGMUS-ASSOCIATED; ACETAZOLAMIDE-RESPONSIVE HEREDITARY PAROXYSMAL CEREBELLAR ATAXIA. Identifiers: Orphanet 97, MedGen C1720416, MONDO:0007163, OMIM 108500.
Migraine, familial hemiplegic, 1. Also called: MIGRAINE, FAMILIAL HEMIPLEGIC 1, WITH PROGRESSIVE CEREBELLAR ATAXIA. Identifiers: Orphanet 569, MedGen C1832884, MONDO:0020756, OMIM 141500, MONDO:0007714.
Spinocerebellar ataxia type 6 (SCA6). Identifiers: Orphanet 98758, MedGen C0752124, MONDO:0008457, OMIM 183086.

Submission:

Labcorp Genetics (formerly Invitae), Labcorp
Classification: Pathogenic for Developmental and epileptic encephalopathy, 42; Episodic ataxia type 2. Last evaluated: 2023-07-29. Review status: criteria provided, single submitter. Criteria: Invitae Variant Classification Sherloc (09022015). Collection method: clinical testing. Allele origin: germline.
Comment: For these reasons, this variant has been classified as Pathogenic. ClinVar contains an entry for this variant (Variation ID: 2502284). This variant has not been reported in the literature in individuals affected with CACNA1A-related conditions. This variant is not present in population databases (gnomAD no frequency). This sequence change creates a premature translational stop signal (p.Gln413*) in the CACNA1A gene. It is expected to result in an absent or disrupted protein product. Loss-of-function variants in CACNA1A are known to be pathogenic (PMID: 10371528, 19486177, 25735478, 27250579).

Literature cited by the submitters: PubMed 10371528 (cited by Labcorp Genetics (formerly Invitae), Labcorp); PubMed 19486177 (cited by Labcorp Genetics (formerly Invitae), Labcorp); PubMed 25735478 (cited by Labcorp Genetics (formerly Invitae), Labcorp); PubMed 27250579 (cited by Labcorp Genetics (formerly Invitae), Labcorp).